The following is an entry in ClinVar:

NM_206933.4(USH2A):c.3575G>A (p.Gly1192Asp)

Genes: USH2A (usherin; minus strand), USH2A-AS1 (USH2A antisense RNA 1; plus strand). Cytogenetic location: 1q41.
Variant type: single nucleotide variant.
Coding change: c.3575G>A on transcript NM_206933.4 (MANE Select); coding-DNA position 3575, G replaced by A.
Protein change: p.Gly1192Asp; replaces glycine 1192 with aspartic acid.
Molecular consequence: missense variant.
Genome position (GRCh38, 1-based): chr1:216,199,863, C>T on the plus strand (G>A on the coding strand, the complement: USH2A is on the minus strand). VCF-style: chr1-216199863-C-T. GRCh37 (hg19) VCF-style: chr1-216373205-C-T.
Other names: c.3575G>A, p.Gly1192Asp (NM_007123.6); c.3575G>A (NM_206933.2); short protein forms G1192D.
Identifiers: ClinVar variation 1022961 (VCV001022961.6), dbSNP rs370882987, ClinGen allele CA1395963.

ClinVar aggregate classification (germline): Uncertain significance. Review status: criteria provided, multiple submitters, no conflicts (2 of 4 stars). 5 submissions from 5 submitters: Uncertain significance (4). 1 of the submissions does not count toward it. Last evaluated 2025-02-08.

Conditions:
Inborn genetic diseases. Identifiers: MedGen C0950123, MeSH D030342.
USH2A-related disorder. Also called: USH2A-related condition; USH2A-related disorders. Identifiers: MedGen CN239332.
Usher syndrome type 2A. Also called: USHER SYNDROME, TYPE IIA; RETINAL DISEASE IN USHER SYNDROME TYPE IIA, MODIFIER OF. Identifiers: Orphanet 231178, Orphanet 886, MedGen C1848634, MONDO:0010169, OMIM 276901.

Allele frequency attached by ClinVar (database versions not stated): TOPMed 0.00005; ESP Exome Variant Server 0.00008; gnomAD exomes 0.00001 and 0.00002; ExAC 0.00003; gnomAD 0.00003.
gnomAD v4.1: 27 of 1,614,034 alleles (0.0017%); highest among the groups gnomAD compares: South Asian, 0.016%; no homozygotes.

Submissions (5):

Ambry Genetics
Classification: Uncertain significance for Inborn genetic diseases. Last evaluated: 2025-02-08. Review status: criteria provided, single submitter. Criteria: Ambry Variant Classification Scheme 2023. Collection method: clinical testing. Allele origin: germline.

PreventionGenetics, part of Exact Sciences
Classification: Uncertain significance for USH2A-related condition. Last evaluated: 2024-11-17. Review status: criteria provided, single submitter. Criteria: ACMG Guidelines, 2015. Collection method: clinical testing. Allele origin: germline.
Comment: The USH2A c.3575G>A variant is predicted to result in the amino acid substitution p.Gly1192Asp. To our knowledge, this variant has not been reported in the literature. This variant is present in 0.016% of alleles in individuals of South Asian descent in gnomAD. At this time, the clinical significance of this variant is uncertain due to the absence of conclusive functional and genetic evidence.

Labcorp Genetics (formerly Invitae), Labcorp
Classification: Uncertain significance. Last evaluated: 2022-04-28. Review status: criteria provided, single submitter. Criteria: Invitae Variant Classification Sherloc (09022015). Collection method: clinical testing. Allele origin: germline.
Comment: This sequence change replaces glycine, which is neutral and non-polar, with aspartic acid, which is acidic and polar, at codon 1192 of the USH2A protein (p.Gly1192Asp). This variant is present in population databases (rs370882987, gnomAD 0.02%). This missense change has been observed in individual(s) with retinal disease (Invitae). ClinVar contains an entry for this variant (Variation ID: 1022961). Algorithms developed to predict the effect of missense changes on protein structure and function (SIFT, PolyPhen-2, Align-GVGD) all suggest that this variant is likely to be tolerated. In summary, the available evidence is currently insufficient to determine the role of this variant in disease. Therefore, it has been classified as a Variant of Uncertain Significance.

Blueprint Genetics
Classification: Uncertain significance. Last evaluated: 2021-08-17. Review status: criteria provided, single submitter. Criteria: ACMG Guidelines, 2015. Collection method: clinical testing. Allele origin: germline.

Natera, Inc.
Classification: Uncertain significance for Usher syndrome type 2A. Last evaluated: 2020-01-17. Review status: no assertion criteria provided. Collection method: clinical testing. Allele origin: germline. Not counted in ClinVar's aggregate classification.